The following is an entry in ClinVar:

ClinVar aggregate classification (germline): Uncertain significance (1 of 4 stars; one submission).

Conditions:
Catecholaminergic polymorphic ventricular tachycardia (CVPT). Also called: Catecholamine-induced polymorphic ventricular tachycardia. Identifiers: Orphanet 3286, MedGen C5574922, MONDO:0017990.

Submission:

Labcorp Genetics (formerly Invitae), Labcorp
Classification: Uncertain significance for Catecholaminergic polymorphic ventricular tachycardia 1. Last evaluated: 2020-07-29. Review status: criteria provided, single submitter. Criteria: Invitae Variant Classification Sherloc (09022015). Collection method: clinical testing. Allele origin: germline.
Comment: This variant results in a copy number gain of the genomic region encompassing exon 1 of the RYR2 gene. The 5' end of this event is unknown as it extends beyond the assayed region for this gene and therefore may encompass additional genes. The 3' boundary is likely confined to intron 1 of the RYR2 gene. As the precise location of this event is unknown, it may be in tandem or it may be located elsewhere in the genome. This variant has not been reported in the literature in individuals with RYR2-related disease. In summary, the available evidence is currently insufficient to determine the role of this variant in disease. Therefore, it has been classified as a Variant of Uncertain Significance.

NC_000001.10:g.(?_237205812)_(237205879_?)dup

Gene: RYR2 (ryanodine receptor 2; plus strand). Cytogenetic location: 1q43.
Variant type: Duplication.
Identifiers: ClinVar variation 1007017 (VCV001007017.2).